The following is an entry in ClinVar:

ClinVar aggregate classification (germline): Uncertain significance. Review status: criteria provided, multiple submitters, no conflicts (2 of 4 stars). 2 submissions from 2 submitters: Uncertain significance (2). Last evaluated 2025-03-05.

Conditions:
Long QT syndrome (LQTS). Identifiers: MedGen C0023976, MeSH D008133, MONDO:0002442. Disease mechanism: loss of function. Inheritance: Various modes of inheritance.
Cardiovascular phenotype. Identifiers: MedGen CN230736.

gnomAD v4.1: 1 of 1,613,438 alleles (0.000062%); highest among the groups gnomAD compares: Non-Finnish European, 0.000085%; no homozygotes.

Submissions (2):

Ambry Genetics
Classification: Uncertain significance for Cardiovascular phenotype. Last evaluated: 2025-03-05. Review status: criteria provided, single submitter. Criteria: Ambry Variant Classification Scheme 2023. Collection method: clinical testing. Allele origin: germline.
Comment: The p.T865I variant (also known as c.2594C>T), located in coding exon 11 of the KCNH2 gene, results from a C to T substitution at nucleotide position 2594. The threonine at codon 865 is replaced by isoleucine, an amino acid with similar properties. This alteration has been reported in long QT syndrome and Brugada syndrome cohorts; however, clinical details were limited (Itoh H et al. Eur J Hum Genet, 2016 08;24:1160-6; Li X et al. Ann Hum Genet, 2020 03;84:161-168; Walsh R et al. Genet Med, 2021 01;23:47-58). This amino acid position is highly conserved in available vertebrate species. In addition, this alteration is predicted to be deleterious by in silico analysis. Since supporting evidence is limited at this time, the clinical significance of this alteration remains unclear.

Labcorp Genetics (formerly Invitae), Labcorp
Classification: Uncertain significance for Long QT syndrome. Last evaluated: 2023-06-03. Review status: criteria provided, single submitter. Criteria: Invitae Variant Classification Sherloc (09022015). Collection method: clinical testing. Allele origin: germline.
Comment: In summary, the available evidence is currently insufficient to determine the role of this variant in disease. Therefore, it has been classified as a Variant of Uncertain Significance. An algorithm developed to predict the effect of missense changes on protein structure and function (PolyPhen-2) suggests that this variant is likely to be disruptive. ClinVar contains an entry for this variant (Variation ID: 957208). This missense change has been observed in individual(s) with long QT syndrome (PMID: 26669661). This variant is not present in population databases (gnomAD no frequency). This sequence change replaces threonine, which is neutral and polar, with isoleucine, which is neutral and non-polar, at codon 865 of the KCNH2 protein (p.Thr865Ile).

Literature cited by the submitters: PubMed 26669661 (cited by Ambry Genetics and Labcorp Genetics (formerly Invitae), Labcorp); PubMed 31696929 (cited by Ambry Genetics); PubMed 32893267 (cited by Ambry Genetics).

NM_000238.4(KCNH2):c.2594C>T (p.Thr865Ile)

Gene: KCNH2 (potassium voltage-gated channel subfamily H member 2; minus strand). Cytogenetic location: 7q36.1.
Variant type: single nucleotide variant.
Coding change: c.2594C>T on transcript NM_000238.4 (MANE Select); coding-DNA position 2594, C replaced by T.
Protein change: p.Thr865Ile; replaces threonine 865 with isoleucine.
Molecular consequence: missense variant.
Genome position (GRCh38, 1-based): chr7:150,948,542, G>A on the plus strand (C>T on the coding strand, the complement: KCNH2 is on the minus strand). VCF-style: chr7-150948542-G-A. GRCh37 (hg19) VCF-style: chr7-150645630-G-A.
Other names: c.1574C>T, p.Thr525Ile (NM_172057.3); short protein forms T865I, T525I.
Identifiers: ClinVar variation 957208 (VCV000957208.7), dbSNP rs768059097, ClinGen allele CA369853966.